The following is an entry in ClinVar:

NM_005236.3(ERCC4):c.232A>T (p.Ile78Leu)

Gene: ERCC4 (ERCC excision repair 4, endonuclease catalytic subunit; plus strand). Cytogenetic location: 16p13.12.
Variant type: single nucleotide variant.
Coding change: c.232A>T on transcript NM_005236.3 (MANE Select); coding-DNA position 232, A replaced by T.
Protein change: p.Ile78Leu; replaces isoleucine 78 with leucine.
Molecular consequence: missense variant.
Genome position (GRCh38, 1-based): chr16:13,922,055, A>T. VCF-style: chr16-13922055-A-T. GRCh37 (hg19) VCF-style: chr16-14015912-A-T.
Other names: short protein forms I78L.
Identifiers: ClinVar variation 1424755 (VCV001424755.8), dbSNP rs765712858, ClinGen allele CA7910130.

ClinVar aggregate classification (germline): Uncertain significance (1 of 4 stars; one submission).

Conditions:
Xeroderma pigmentosum, group F (XPF). Also called: XERODERMA PIGMENTOSUM VI; XP, GROUP F; XERODERMA PIGMENTOSUM, COMPLEMENTATION GROUP F; ERCC4-Related Xeroderma Pigmentosum; XERODERMA PIGMENTOSUM, TYPE F; Xeroderma pigmentosum, type 6. Identifiers: MedGen C0268140, MONDO:0010215, OMIM 278760.
Fanconi anemia complementation group Q. Identifiers: Orphanet 84, MedGen C3808988, MONDO:0014108, OMIM 615272.
Cockayne syndrome. Identifiers: Orphanet 191, MedGen C0009207, MONDO:0016006.

Allele frequency attached by ClinVar (database versions not stated): gnomAD exomes 0.00001; ExAC 0.00002.

Submission:

Labcorp Genetics (formerly Invitae), Labcorp
Classification: Uncertain significance for Fanconi anemia complementation group Q; Xeroderma pigmentosum, group F; Cockayne syndrome. Last evaluated: 2024-02-26. Review status: criteria provided, single submitter. Criteria: Invitae Variant Classification Sherloc (09022015). Collection method: clinical testing. Allele origin: germline.
Comment: This sequence change replaces isoleucine, which is neutral and non-polar, with leucine, which is neutral and non-polar, at codon 78 of the ERCC4 protein (p.Ile78Leu). This variant is present in population databases (rs765712858, gnomAD 0.01%). This variant has not been reported in the literature in individuals affected with ERCC4-related conditions. ClinVar contains an entry for this variant (Variation ID: 1424755). Advanced modeling of protein sequence and biophysical properties (such as structural, functional, and spatial information, amino acid conservation, physicochemical variation, residue mobility, and thermodynamic stability) performed at Invitae indicates that this missense variant is not expected to disrupt ERCC4 protein function with a negative predictive value of 80%. In summary, the available evidence is currently insufficient to determine the role of this variant in disease. Therefore, it has been classified as a Variant of Uncertain Significance.